The following is an entry in ClinVar:

NM_001197104.2(KMT2A):c.5113G>C (p.Asp1705His)

Gene: KMT2A (lysine methyltransferase 2A; plus strand). Cytogenetic location: 11q23.3.
Variant type: single nucleotide variant.
Coding change: c.5113G>C on transcript NM_001197104.2 (MANE Select); coding-DNA position 5113, G replaced by C.
Protein change: p.Asp1705His; replaces aspartic acid 1705 with histidine.
Molecular consequence: missense variant.
Genome position (GRCh38, 1-based): chr11:118,493,165, G>C. VCF-style: chr11-118493165-G-C. GRCh37 (hg19) VCF-style: chr11-118363880-G-C.
Other names: c.5203G>C, p.Asp1735His (NM_001412597.1); c.5104G>C, p.Asp1702His (NM_005933.4); short protein forms D1702H, D1705H, D1735H.
Identifiers: ClinVar variation 2446178 (VCV002446178.2), dbSNP rs2496929615, ClinGen allele CA382837031.

ClinVar aggregate classification (germline): Uncertain significance. Review status: criteria provided, multiple submitters, no conflicts (2 of 4 stars). 2 submissions from 2 submitters: Uncertain significance (2). Last evaluated 2024-11-08.

Conditions:
Inborn genetic diseases. Identifiers: MedGen C0950123, MeSH D030342.

Submissions (2):

Ambry Genetics
Classification: Uncertain significance for Inborn genetic diseases. Last evaluated: 2024-11-08. Review status: criteria provided, single submitter. Criteria: Ambry Variant Classification Scheme 2023. Collection method: clinical testing. Allele origin: germline.

GeneDx
Classification: Uncertain significance. Last evaluated: 2023-03-24. Review status: criteria provided, single submitter. Criteria: GeneDx Variant Classification Process June 2021. Collection method: clinical testing. Allele origin: germline. Affected: yes.
Comment: Not observed at significant frequency in large population cohorts (gnomAD); In silico analysis supports that this missense variant does not alter protein structure/function; Has not been previously published as pathogenic or benign to our knowledge